The following is an entry in ClinVar:

ClinVar aggregate classification (germline): Pathogenic. Review status: reviewed by expert panel (3 of 4 stars). 4 submissions from 4 submitters: Pathogenic (1). 3 of the submissions do not count toward it. Last evaluated 2023-12-06.

Conditions:
UBE3A-related disorder. Also called: UBE3A-related condition.
Angelman syndrome (AS). Also called: HAPPY PUPPET SYNDROME. Identifiers: Orphanet 72, MedGen C0162635, MONDO:0007113, OMIM 105830. Disease mechanism: loss of function. Inheritance: AS is caused by disruption of maternally imprinted UBE3A located within the 15q11.2-q13 Angelman syndrome/Prader-Willi syndrome (AS/PWS) region., imprinting disorder.

Submissions (4):

ClinGen Rett and Angelman-like Disorders Variant Curation Expert Panel
Classification: Pathogenic for Angelman syndrome. Last evaluated: 2023-12-06. Review status: reviewed by expert panel. Criteria: ClinGen RettAS ACMG Specifications UBE3A V4.0.0. Collection method: curation. Allele origin: germline. Inheritance: Autosomal dominant inheritance.
Comment: The p.Phe474fs variant in UBE3A is predicted to cause a premature stop codon that leads to a truncated or absent protein in a gene where loss-of-function is an established mechanism. There is significant evidence that loss of this region of the gene is pathogenic (PVS1). The p.Phe474fs variant has been observed in 3 individuals with Angleman syndrome (PMID 25212744, internal database - Invitae) (PS4_moderate). This variant is absent from gnomAD v4 (PM2_supporting). In summary, the p.Phe474fs variant in UBE3A is classified as Pathogenic based on the ACMG/AMP criteria (PVS1, PS4_moderate, PM2_supporting).

Women's Health and Genetics/Laboratory Corporation of America, LabCorp
Classification: Pathogenic for Angelman syndrome. Last evaluated: 2024-08-16. Review status: criteria provided, single submitter. Criteria: LabCorp Variant Classification Summary - May 2015. Collection method: clinical testing. Allele origin: germline. Not counted in ClinVar's aggregate classification.
Comment: Variant summary: UBE3A c.1361_1362delTT (p.Phe454TyrfsX19) results in a premature termination codon, predicted to cause a truncation of the encoded protein or absence of the protein due to nonsense mediated decay, which are commonly known mechanisms for disease. The variant was absent in 250692 control chromosomes. c.1361_1362delTT has been reported in the literature in at least one individual affected with Angelman Syndrome (e.g. Sadikovic_2014) . To our knowledge, no experimental evidence demonstrating an impact on protein function has been reported. The following publication has been ascertained in the context of this evaluation (PMID: 25212744). ClinVar contains an entry for this variant (Variation ID: 155951). Based on the evidence outlined above, the variant was classified as pathogenic.

PreventionGenetics, part of Exact Sciences
Classification: Pathogenic for UBE3A-related condition. Last evaluated: 2024-09-07. Review status: no assertion criteria provided. Collection method: clinical testing. Allele origin: germline. Not counted in ClinVar's aggregate classification.
Comment: The UBE3A c.1361_1362delTT variant is predicted to result in a frameshift and premature protein termination (p.Phe454Tyrfs*19). This variant was reported in an individual with Angelman syndrome (Sadikovic et al. 2014. PubMed ID: 25212744). This variant has not been reported in a large population database, indicating this variant is rare. Frameshift variants in UBE3A are expected to be pathogenic. This variant is interpreted as pathogenic.

Baylor Genetics
Classification: Pathogenic for Angelman Syndrome. Last evaluated: 2014-02-14. Review status: no assertion criteria provided. Collection method: clinical testing. Allele origin: germline. Affected: yes. Observed: 1 variant allele. Study: UBE3A Mutation Study. Not counted in ClinVar's aggregate classification.
Comment: Data collected from clinical UBE3A sequence analysis results

Literature cited by the submitters: PubMed 25212744 (cited by Women's Health and Genetics/Laboratory Corporation of America, LabCorp and Baylor Genetics).

NM_130839.5(UBE3A):c.1421_1422del (p.Phe474fs)

Genes: SNHG14 (small nucleolar RNA host gene 14; plus strand), UBE3A (ubiquitin protein ligase E3A; minus strand). Cytogenetic location: 15q11.2.
Variant type: Deletion.
Coding change: c.1421_1422del on transcript NM_130839.5 (MANE Select); coding-DNA positions 1421 to 1422, 2 bases deleted (TT; older notation c.1421_1422delTT).
Protein change: p.Phe474fs; shifts the reading frame from phenylalanine 474.
Molecular consequence: frameshift variant. On other transcripts: non-coding transcript variant (1), intron variant (2).
Genome position (GRCh38, 1-based): chr15:25,370,752-25,370,753, AA deleted on the plus strand (TT on the coding strand, the reverse complement: UBE3A is on the minus strand); deleting any 2 consecutive bases within chr15:25,370,752-25,370,755 gives the same sequence; the c. name uses the placement nearest the transcript's 3' end. VCF-style (leftmost placement, unchanged base first): chr15-25370751-TAA-T. GRCh37 (hg19) VCF-style: chr15-25615898-TAA-T.
Other names: NM_130839.5(UBE3A):c.1421_1422del; p.Phe474fs; c.1430_1431del, p.Phe477fs (NM_000462.5); c.1421_1422del, p.Phe474fs (NM_001354505.1, NM_001354538.2, NM_001354545.2); c.1361_1362del, p.Phe454fs (NM_001354506.2, NM_001354507.2, NM_001354508.2 and 17 more transcripts); c.1244_1245del, p.Phe415fs (NM_001354546.2); c.301+4712_301+4713del (NM_001354551.2); c.361+4712_361+4713del (NM_001354550.2); and 1 more; short protein forms F415fs, F454fs, F474fs, F477fs.
Identifiers: ClinVar variation 155951 (VCV000155951.4), dbSNP rs587781200, ClinGen allele CA333316.